The following is an entry in ClinVar:

NM_002439.5(MSH3):c.1177del (p.Val393fs)

Gene: MSH3 (mutS homolog 3; plus strand). Cytogenetic location: 5q14.1.
Variant type: Deletion.
Coding change: c.1177del on transcript NM_002439.5 (MANE Select); coding-DNA position 1177, one base deleted (G; older notation c.1177delG).
Protein change: p.Val393fs; shifts the reading frame from valine 393.
Molecular consequence: frameshift variant.
Genome position (GRCh38, 1-based): chr5:80,678,930, G deleted. VCF-style (leftmost placement, unchanged base first): chr5-80678929-AG-A. GRCh37 (hg19) VCF-style: chr5-79974748-AG-A.
Other names: short protein forms V393fs.
Identifiers: ClinVar variation 3913603 (VCV003913603.1).

ClinVar aggregate classification (germline): Pathogenic (1 of 4 stars; one submission).

Conditions:
Hereditary cancer-predisposing syndrome. Also called: Hereditary Cancer Syndrome; Hereditary neoplastic syndrome; Neoplastic Syndromes, Hereditary; Tumor predisposition. Identifiers: Orphanet 140162, MedGen C0027672, MeSH D009386, MONDO:0015356.

Submission:

Ambry Genetics
Classification: Pathogenic for Hereditary cancer-predisposing syndrome. Last evaluated: 2025-03-20. Review status: criteria provided, single submitter. Criteria: Ambry Variant Classification Scheme 2023. Collection method: clinical testing. Allele origin: germline.
Comment: The c.1177delG pathogenic mutation, located in coding exon 8 of the MSH3 gene, results from a deletion of one nucleotide at nucleotide position 1177, causing a translational frameshift with a predicted alternate stop codon (p.V393Cfs*22). This variant is considered to be rare based on population cohorts in the Genome Aggregation Database (gnomAD). This alteration is expected to result in loss of function by premature protein truncation or nonsense-mediated mRNA decay. As such, this alteration is interpreted as a disease-causing mutation.